The following is an entry in ClinVar:

ClinVar aggregate classification (germline): Pathogenic (1 of 4 stars; one submission).

Conditions:
ALMS1-related disorder. Also called: ALMS1-related condition.

gnomAD v4.1: 1 of 1,614,028 alleles (0.000062%); highest among the groups gnomAD compares: Non-Finnish European, 0.000085%; no homozygotes.

Submission:

PreventionGenetics, part of Exact Sciences
Classification: Pathogenic for ALMS1-related condition. Last evaluated: 2025-10-27. Review status: criteria provided, single submitter. Criteria: ACMG Guidelines, 2015. Collection method: clinical testing. Allele origin: germline.
Comment: The ALMS1 c.11704C>T variant is predicted to result in premature protein termination (p.Arg3902*). To our knowledge this variant has not been reported in the literature, or in a large population database (gnomAD), indicating this variant is rare. Nonsense variants in ALMS1 are expected to be pathogenic (Marshall et al. 2007. PubMed ID: 17594715). This variant is interpreted as pathogenic.

NM_001378454.1(ALMS1):c.11701C>T (p.His3901Tyr)

Gene: ALMS1 (ALMS1 centrosome and basal body associated protein; plus strand). Cytogenetic location: 2p13.1.
Variant type: single nucleotide variant.
Coding change: c.11701C>T on transcript NM_001378454.1 (MANE Select); coding-DNA position 11701, C replaced by T.
Protein change: p.His3901Tyr; replaces histidine 3901 with tyrosine.
Molecular consequence: missense variant.
Genome position (GRCh38, 1-based): chr2:73,600,710, C>T. VCF-style: chr2-73600710-C-T. GRCh37 (hg19) VCF-style: chr2-73827837-C-T.
Other names: c.11704C>T, p.His3902Tyr (NM_015120.4); short protein forms H3901Y, H3902Y.
Identifiers: ClinVar variation 4977750 (VCV004977750.1).
Genomic context (GRCh38, chr2:73,600,710, plus strand): 5'-CAGAGACACCTATGATCCTTCCCCTCAGGTAACTTGGAGATTGTGAACGGTGCCAAAAAA[C>T]ACACTCGAGATGTTGGGATAACTTTCCCAACTCCAAGTTCCAGCGAGGCTAAATTGGAAG-3'
Protein context (NP_001365383.1, residues 3891-3911): NLEIVNGAKK[His3901Tyr]TRDVGITFPT